The following is an entry in ClinVar:

NM_003482.4(KMT2D):c.15931G>A (p.Val5311Met)

Gene: KMT2D (lysine methyltransferase 2D; minus strand). Cytogenetic location: 12q13.12.
Variant type: single nucleotide variant.
Coding change: c.15931G>A on transcript NM_003482.4 (MANE Select); coding-DNA position 15931, G replaced by A.
Protein change: p.Val5311Met; replaces valine 5311 with methionine.
Molecular consequence: missense variant.
Genome position (GRCh38, 1-based): chr12:49,024,699, C>T on the plus strand (G>A on the coding strand, the complement: KMT2D is on the minus strand). VCF-style: chr12-49024699-C-T. GRCh37 (hg19) VCF-style: chr12-49418482-C-T.
Other names: short protein forms V5311M.
Identifiers: ClinVar variation 4070810 (VCV004070810.2).

ClinVar aggregate classification (germline): Uncertain significance. Review status: criteria provided, multiple submitters, no conflicts (2 of 4 stars). 2 submissions from 2 submitters: Uncertain significance (2). Last evaluated 2026-05-13.

Conditions:
Inborn genetic diseases. Identifiers: MedGen C0950123, MeSH D030342.

Submissions (2):

Ambry Genetics
Classification: Uncertain significance for Inborn genetic diseases. Last evaluated: 2026-05-13. Review status: criteria provided, single submitter. Criteria: Ambry Variant Classification Scheme 2023. Collection method: clinical testing. Allele origin: germline.

GeneDx
Classification: Uncertain significance. Last evaluated: 2025-01-19. Review status: criteria provided, single submitter. Criteria: GeneDx Variant Classification Process June 2021. Collection method: clinical testing. Allele origin: germline. Affected: yes.
Comment: Not observed at significant frequency in large population cohorts (gnomAD); In silico analysis supports that this missense variant has a deleterious effect on protein structure/function; Has not been previously published as pathogenic or benign to our knowledge